The following is an entry in ClinVar:

ClinVar aggregate classification (germline): Uncertain significance. Review status: criteria provided, multiple submitters, no conflicts (2 of 4 stars). 3 submissions from 3 submitters: Uncertain significance (3). Last evaluated 2024-06-25.

Conditions:
Arterial calcification, generalized, of infancy, 2. Identifiers: Orphanet 51608, MedGen C3276161, MONDO:0013768, OMIM 614473.
Autosomal recessive inherited pseudoxanthoma elasticum (PXE). Identifiers: Orphanet 758, MedGen CN032334, MONDO:0009925, OMIM 264800.
Pseudoxanthoma elasticum, forme fruste. Also called: PSEUDOXANTHOMA ELASTICUM, HETEROZYGOUS; Pseudoxanthoma Elasticum, Incomplete. Identifiers: Orphanet 758, MedGen C1867450, MONDO:0008333, OMIM 177850.

Allele frequency attached by ClinVar (database versions not stated): gnomAD 0.00012; ESP Exome Variant Server 0.00015; TOPMed 0.00018.
gnomAD v4.1: 293 of 1,613,002 alleles (0.018%); highest among the groups gnomAD compares: South Asian, 0.038%; 1 homozygote.

Submissions (3):

Fulgent Genetics
Classification: Uncertain significance for Pseudoxanthoma elasticum, forme fruste; Autosomal recessive inherited pseudoxanthoma elasticum; Arterial calcification, generalized, of infancy, 2. Last evaluated: 2024-06-25. Review status: criteria provided, single submitter. Criteria: ACMG Guidelines, 2015. Collection method: clinical testing. Allele origin: germline.

Blueprint Genetics
Classification: Uncertain significance. Last evaluated: 2023-12-19. Review status: criteria provided, single submitter. Criteria: ACMG Guidelines, 2015. Collection method: clinical testing. Allele origin: germline.

Labcorp Genetics (formerly Invitae), Labcorp
Classification: Uncertain significance. Last evaluated: 2022-10-05. Review status: criteria provided, single submitter. Criteria: Invitae Variant Classification Sherloc (09022015). Collection method: clinical testing. Allele origin: germline.
Comment: This sequence change falls in intron 23 of the ABCC6 gene. It does not directly change the encoded amino acid sequence of the ABCC6 protein. It affects a nucleotide within the consensus splice site. This variant is present in population databases (rs369806278, gnomAD 0.05%). This variant has not been reported in the literature in individuals affected with ABCC6-related conditions. ClinVar contains an entry for this variant (Variation ID: 1001250). Variants that disrupt the consensus splice site are a relatively common cause of aberrant splicing (PMID: 17576681, 9536098). Algorithms developed to predict the effect of sequence changes on RNA splicing suggest that this variant may create or strengthen a splice site. In summary, the available evidence is currently insufficient to determine the role of this variant in disease. Therefore, it has been classified as a Variant of Uncertain Significance.

Literature cited by the submitters: PubMed 17576681 (cited by Labcorp Genetics (formerly Invitae), Labcorp); PubMed 9536098 (cited by Labcorp Genetics (formerly Invitae), Labcorp).

NM_001171.6(ABCC6):c.3306+5G>A

Gene: ABCC6 (ATP binding cassette subfamily C member 6; minus strand). Cytogenetic location: 16p13.11.
Variant type: single nucleotide variant.
Coding change: c.3306+5G>A on transcript NM_001171.6 (MANE Select); 5 bases into the intron after coding-DNA position 3306, G replaced by A.
Molecular consequence: intron variant.
Genome position (GRCh38, 1-based): chr16:16,165,618, C>T on the plus strand (G>A on the coding strand, the complement: ABCC6 is on the minus strand). VCF-style: chr16-16165618-C-T. GRCh37 (hg19) VCF-style: chr16-16259475-C-T.
Other names: c.2964+5G>A (NM_001351800.1).
Identifiers: ClinVar variation 1001250 (VCV001001250.6), dbSNP rs369806278, ClinGen allele CA7925636.